The following is an entry in ClinVar:

NM_201384.3(PLEC):c.13111G>A (p.Ala4371Thr)

Gene: PLEC (plectin; minus strand). Cytogenetic location: 8q24.3.
Variant type: single nucleotide variant.
Coding change: c.13111G>A on transcript NM_201384.3 (MANE Select); coding-DNA position 13111, G replaced by A.
Protein change: p.Ala4371Thr; replaces alanine 4371 with threonine.
Molecular consequence: missense variant.
Genome position (GRCh38, 1-based): chr8:143,916,710, C>T on the plus strand (G>A on the coding strand, the complement: PLEC is on the minus strand). VCF-style: chr8-143916710-C-T. GRCh37 (hg19) VCF-style: chr8-144990878-C-T.
Other names: c.13192G>A, p.Ala4398Thr (NM_000445.5); c.13069G>A, p.Ala4357Thr (NM_201378.4); c.13045G>A, p.Ala4349Thr (NM_201379.3); c.13522G>A, p.Ala4508Thr (NM_201380.4); c.13015G>A, p.Ala4339Thr (NM_201381.3); c.13111G>A, p.Ala4371Thr (NM_201382.4); c.13123G>A, p.Ala4375Thr (NM_201383.3); short protein forms A4339T, A4349T, A4357T, A4371T, A4375T, A4398T, A4508T.
Identifiers: ClinVar variation 196853 (VCV000196853.30), dbSNP rs200361523, ClinGen allele CA244577.

ClinVar aggregate classification (germline): Conflicting classifications of pathogenicity. Review status: criteria provided, conflicting classifications (1 of 4 stars). 9 submissions from 9 submitters: Uncertain significance (8); Likely benign (1). Last evaluated 2026-05-27.

Conditions:
PLEC-related disorder. Also called: PLEC-related condition; PLEC-related disorders.
Epidermolysis bullosa simplex 5B, with muscular dystrophy (EBS5B). Also called: EPIDERMOLYSIS BULLOSA SIMPLEX AND LIMB-GIRDLE MUSCULAR DYSTROPHY; Epidermolysis bullosa simplex with muscular dystrophy. Identifiers: Orphanet 257, MedGen C2931072, MONDO:0009181, OMIM 226670.
Junctional epidermolysis bullosa with pyloric atresia. Also called: ITGB4-Related Epidermolysis Bullosa with Pyloric Atresia; APLASIA CUTIS CONGENITA WITH GASTROINTESTINAL ATRESIA; CARMI SYNDROME; EB-PA-ACC; Epidermolysis bullosa, junctional, with pyloric atresia and aplasia cutis congenita; Epidermolysis bullosa junctionalis with pyloric atresia. Identifiers: Orphanet 79403, MedGen C5676875, MONDO:0009183, OMIM 226730.
Epidermolysis bullosa simplex, Ogna type (EBS5A). Also called: Pidermolysis bullosa simplex 5A, Ogna type; EPIDERMOLYSIS BULLOSA SIMPLEX 5A, OGNA TYPE. Identifiers: Orphanet 79401, MedGen C0432317, MONDO:0007555, OMIM 131950.
Autosomal recessive limb-girdle muscular dystrophy type 2Q (LGMDR17). Also called: MUSCULAR DYSTROPHY, LIMB-GIRDLE, AUTOSOMAL RECESSIVE 17. Identifiers: Orphanet 254361, MedGen C3150989, MONDO:0013390, OMIM 613723.
Epidermolysis bullosa simplex with nail dystrophy (EBS5D). Identifiers: MedGen C4225309, MONDO:0014661, OMIM 616487.
Epidermolysis bullosa simplex 5C, with pyloric atresia (EBS5C). Also called: PLEC-Related Epidermolysis Bullosa with Pyloric Atresia; Epidermolysis bullosa simplex with pyloric atresia; PLEC1-Related Epidermolysis Bullosa with Pyloric Atresia. Identifiers: Orphanet 158684, MedGen C2677349, MONDO:0012807, OMIM 612138.
Inborn genetic diseases. Identifiers: MedGen C0950123, MeSH D030342.

Allele frequency attached by ClinVar (database versions not stated): TOPMed 0.00037; gnomAD 0.00041 and 0.00042; ExAC 0.00032; gnomAD exomes 0.00035 and 0.00058; ESP Exome Variant Server 0.00088.
gnomAD v4.1: 900 of 1,612,634 alleles (0.056%); highest among the groups gnomAD compares: Non-Finnish European, 0.069%; 1 homozygote.

Submissions (9):

PreventionGenetics, part of Exact Sciences
Classification: Uncertain significance for PLEC-related condition. Last evaluated: 2026-05-27. Review status: criteria provided, single submitter. Criteria: ACMG Guidelines, 2015. Collection method: clinical testing. Allele origin: germline.
Comment: The PLEC c.13192G>A variant is predicted to result in the amino acid substitution p.Ala4398Thr. To our knowledge, this variant has not been reported in the literature. This variant is reported in 0.13% of alleles in individuals of Ashkenazi Jewish descent in gnomAD, which may be too frequent to be a primary cause of disease. Although we suspect that this variant may be benign, at this time, the clinical significance of this variant is uncertain due to the absence of conclusive functional and genetic evidence.

Labcorp Genetics (formerly Invitae), Labcorp
Classification: Uncertain significance for Autosomal recessive limb-girdle muscular dystrophy type 2Q; Epidermolysis bullosa simplex, Ogna type; Epidermolysis bullosa simplex with nail dystrophy; Epidermolysis bullosa simplex 5C, with pyloric atresia; Epidermolysis bullosa simplex 5B, with muscular dystrophy. Last evaluated: 2026-02-02. Review status: criteria provided, single submitter. Criteria: Invitae Variant Classification Sherloc (09022015). Collection method: clinical testing. Allele origin: germline.
Comment: This sequence change replaces alanine, which is neutral and non-polar, with threonine, which is neutral and polar, at codon 4398 of the PLEC protein (p.Ala4398Thr). This variant is present in population databases (rs200361523, gnomAD 0.1%). This variant has not been reported in the literature in individuals affected with PLEC-related conditions. ClinVar contains an entry for this variant (Variation ID: 196853). Invitae Evidence Modeling of protein sequence and biophysical properties (such as structural, functional, and spatial information, amino acid conservation, physicochemical variation, residue mobility, and thermodynamic stability) has been performed for this missense variant. However, the output from this modeling did not meet the statistical confidence thresholds required to predict the impact of this variant on PLEC protein function. In summary, the available evidence is currently insufficient to determine the role of this variant in disease. Therefore, it has been classified as a Variant of Uncertain Significance.

Women's Health and Genetics/Laboratory Corporation of America, LabCorp
Classification: Uncertain significance. Last evaluated: 2024-07-26. Review status: criteria provided, single submitter. Criteria: LabCorp Variant Classification Summary - May 2015. Collection method: clinical testing. Allele origin: germline.
Comment: Variant summary: PLEC c.13192G>A (p.Ala4398Thr) results in a non-conservative amino acid change located in the Plectin repeat domain (IPR001101) of the encoded protein sequence. Three of five in-silico tools predict a damaging effect of the variant on protein function. The variant allele was found at a frequency of 0.00056 in 1605638 control chromosomes in the gnomAD database (v4.1 dataset), including 1 homozygote. c.13192G>A has been reported in the literature in an individual affected with (suspected) muscular dystrophy (Lee_2024). These report(s) do not provide unequivocal conclusions about association of the variant with PLEC-Related Disorders. To our knowledge, no experimental evidence demonstrating an impact on protein function has been reported. The following publication have been ascertained in the context of this evaluation (PMID: 38818036). ClinVar contains an entry for this variant (Variation ID: 196853). Based on the evidence outlined above, the variant was classified as uncertain significance.

Department of Pathology and Laboratory Medicine, Sinai Health System
Classification: Uncertain significance for Epidermolysis bullosa simplex, Ogna type; Epidermolysis bullosa simplex 5B, with muscular dystrophy; Junctional epidermolysis bullosa with pyloric atresia; Epidermolysis bullosa simplex 5C, with pyloric atresia; Autosomal recessive limb-girdle muscular dystrophy type 2Q; Epidermolysis bullosa simplex with nail dystrophy. Last evaluated: 2023-05-12. Review status: criteria provided, single submitter. Criteria: ACMG Guidelines, 2015. Collection method: research. Allele origin: germline.

Revvity Omics, Revvity
Classification: Uncertain significance. Last evaluated: 2023-03-03. Review status: criteria provided, single submitter. Criteria: ACMG Guidelines, 2015. Collection method: clinical testing. Allele origin: germline.

Ambry Genetics
Classification: Uncertain significance for Inborn genetic diseases. Last evaluated: 2021-08-02. Review status: criteria provided, single submitter. Criteria: Ambry Variant Classification Scheme 2023. Collection method: clinical testing. Allele origin: germline.

Athena Diagnostics
Classification: Uncertain significance. Last evaluated: 2019-04-04. Review status: criteria provided, single submitter. Criteria: Athena Diagnostics Criteria. Collection method: clinical testing. Allele origin: germline.

GeneDx
Classification: Likely benign. Last evaluated: 2019-03-01. Review status: criteria provided, single submitter. Criteria: GeneDx Variant Classification Process June 2021. Collection method: clinical testing. Allele origin: germline. Affected: yes.
Comment: This variant is associated with the following publications: (PMID: 28492532)

Eurofins Ntd Llc (ga)
Classification: Uncertain significance. Last evaluated: 2015-09-01. Review status: criteria provided, single submitter. Criteria: EGL Classification Definitions 2015. Collection method: clinical testing. Allele origin: germline. Observed: 5 variant alleles, 5 heterozygotes.

Literature cited by the submitters: PubMed 38818036 (cited by Women's Health and Genetics/Laboratory Corporation of America, LabCorp).